The following is an entry in ClinVar:

NM_020361.5(CPA6):c.994T>C (p.Tyr332His)

Genes: ARFGEF1-DT (ARFGEF1 divergent transcript; plus strand), CPA6 (carboxypeptidase A6; minus strand). Cytogenetic location: 8q13.2.
Variant type: single nucleotide variant.
Coding change: c.994T>C on transcript NM_020361.5 (MANE Select); coding-DNA position 994, T replaced by C.
Protein change: p.Tyr332His; replaces tyrosine 332 with histidine.
Molecular consequence: missense variant.
Genome position (GRCh38, 1-based): chr8:67,434,085, A>G on the plus strand (T>C on the coding strand, the complement: CPA6 is on the minus strand). VCF-style: chr8-67434085-A-G. GRCh37 (hg19) VCF-style: chr8-68346320-A-G.
Other names: short protein forms Y332H.
Identifiers: ClinVar variation 437415 (VCV000437415.2), dbSNP rs1554662194, ClinGen allele CA371260157.
Genomic context (GRCh38, chr8:67,434,085, plus strand): 5'-GTCAAATACTTACCACACATCTAAAATTGGGAATTGTTGCATATTTGTAAGAATAGGGAT[A>G]CAGTAACATCTGAGCATATGCATGAAAGGAGAGATAAGCCCTAATGTGCTTTCTGTGTTT-3'
Protein context (NP_065094.3, residues 322-342): SFHAYAQMLL[Tyr332His]PYSYKYATIP

ClinVar aggregate classification (germline): Uncertain significance (1 of 4 stars; one submission).

Conditions:
Familial temporal lobe epilepsy 5. Identifiers: MedGen C3280730, MONDO:0013741, OMIM 614417.

Submission:

Center of Genomic medicine, Geneva, University Hospital of Geneva
Classification: Uncertain significance for Familial temporal lobe epilepsy 5. Last evaluated: 2017-02-06. Review status: criteria provided, single submitter. Criteria: ACMG Guidelines, 2015. Collection method: clinical testing. Allele origin: paternal. Affected: yes.